The following is an entry in ClinVar:

ClinVar aggregate classification (germline): Conflicting classifications of pathogenicity. Review status: criteria provided, conflicting classifications (1 of 4 stars). 7 submissions from 7 submitters: Uncertain significance (2); Benign (2); Likely benign (2). 1 of the submissions does not count toward it. Last evaluated 2026-01-05.

Conditions:
DNM1-related disorder. Also called: DNM1-related condition.
Inborn genetic diseases. Identifiers: MedGen C0950123, MeSH D030342.
Developmental and epileptic encephalopathy, 31A. Also called: Epileptic encephalopathy, early infantile, 31; Developmental and epileptic encephalopathy, 31. Identifiers: Orphanet 2382, MedGen C4225357, MONDO:0014598, OMIM 616346.

Allele frequency attached by ClinVar (database versions not stated): ExAC 0.00007; gnomAD exomes 0.00008 and 0.00012; gnomAD 0.00011 and 0.00013; TOPMed 0.00023; 1000 Genomes Project 30x 0.00031; 1000 Genomes Project 0.00040.
gnomAD v4.1: 145 of 1,612,782 alleles (0.009%); highest among the groups gnomAD compares: Admixed American, 0.05%; 1 homozygote.

Submissions (7):

Labcorp Genetics (formerly Invitae), Labcorp
Classification: Benign for Developmental and epileptic encephalopathy, 31A. Last evaluated: 2026-01-05. Review status: criteria provided, single submitter. Criteria: Invitae Variant Classification Sherloc (09022015). Collection method: clinical testing. Allele origin: germline.

Women's Health and Genetics/Laboratory Corporation of America, LabCorp
Classification: Uncertain significance. Last evaluated: 2025-03-10. Review status: criteria provided, single submitter. Criteria: LabCorp Variant Classification Summary - May 2015. Collection method: clinical testing. Allele origin: germline.
Comment: Variant summary: DNM1 c.849+6C>T alters a non-conserved nucleotide located close to a canonical splice site and therefore could affect mRNA splicing, leading to a significantly altered protein sequence. Several computational tools predict a significant impact on normal splicing: Four predict the variant has no significant impact on splicing on the canonical splice site, but two predict the variant creates a cryptic 5' donor site. However, these predictions have yet to be confirmed by functional studies. The variant allele was found at a frequency of 0.00012 in 250320 control chromosomes. This frequency is not significantly higher than estimated for a pathogenic variant in DNM1 causing Developmental And Epileptic Encephalopathy, 31, allowing no conclusion about variant significance. To our knowledge, no occurrence of c.849+6C>T in individuals affected with Developmental And Epileptic Encephalopathy, 31 and no experimental evidence demonstrating its impact on protein function have been reported. ClinVar contains an entry for this variant (Variation ID: 389002). Based on the evidence outlined above, the variant was classified as uncertain significance.

Blueprint Genetics
Classification: Likely benign. Last evaluated: 2024-11-06. Review status: criteria provided, single submitter. Criteria: ACMG Guidelines, 2015. Collection method: clinical testing. Allele origin: germline.

Ambry Genetics
Classification: Likely benign for Inborn genetic diseases. Last evaluated: 2022-05-31. Review status: criteria provided, single submitter. Criteria: Ambry Variant Classification Scheme 2023. Collection method: clinical testing. Allele origin: germline.

GeneDx
Classification: Benign. Last evaluated: 2020-01-27. Review status: criteria provided, single submitter. Criteria: GeneDx Variant Classification Process June 2021. Collection method: clinical testing. Allele origin: germline. Affected: yes.

Genetic Services Laboratory, University of Chicago
Classification: Uncertain significance. Last evaluated: 2017-02-20. Review status: criteria provided, single submitter. Criteria: ACMG Guidelines, 2015. Collection method: clinical testing. Allele origin: germline. Affected: no.

PreventionGenetics, part of Exact Sciences
Classification: Likely benign for DNM1-related condition. Last evaluated: 2019-07-03. Review status: no assertion criteria provided. Collection method: clinical testing. Allele origin: germline. Not counted in ClinVar's aggregate classification.
Comment: This variant is classified as likely benign based on ACMG/AMP sequence variant interpretation guidelines (Richards et al. 2015 PMID: 25741868, with internal and published modifications).

NM_004408.4(DNM1):c.849+6C>T

Gene: DNM1 (dynamin 1; plus strand). Cytogenetic location: 9q34.11.
Variant type: single nucleotide variant.
Coding change: c.849+6C>T on transcript NM_004408.4 (MANE Select); 6 bases into the intron after coding-DNA position 849, C replaced by T.
Molecular consequence: intron variant.
Genome position (GRCh38, 1-based): chr9:128,220,347, C>T. VCF-style: chr9-128220347-C-T. GRCh37 (hg19) VCF-style: chr9-130982626-C-T.
Other names: c.849+6C>T (NM_004408.2, NM_001005336.3, NM_001288738.2 and 2 more transcripts).
Identifiers: ClinVar variation 389002 (VCV000389002.23), dbSNP rs527412689, ClinGen allele CA5257897.